The following is an entry in ClinVar:

NM_000287.4(PEX6):c.1138dup (p.Glu380fs)

Gene: PEX6 (peroxisomal biogenesis factor 6; minus strand). Cytogenetic location: 6p21.1.
Variant type: Duplication.
Coding change: c.1138dup on transcript NM_000287.4 (MANE Select); coding-DNA position 1138, one base duplicated (G; older notation c.1138dupG).
Protein change: p.Glu380fs; shifts the reading frame from glutamic acid 380.
Molecular consequence: frameshift variant. On other transcripts: non-coding transcript variant (1).
Genome position (GRCh38, 1-based): chr6:42,969,980, C duplicated on the plus strand (G on the coding strand, the reverse complement: PEX6 is on the minus strand); the first of 3 consecutive C bases (chr6:42,969,980-42,969,982); duplicating any one gives the same sequence. VCF-style (leftmost placement, unchanged base first): chr6-42969979-T-TC. GRCh37 (hg19) VCF-style: chr6-42937717-T-TC.
Other names: c.874dup, p.Glu292fs (NM_001316313.2); short protein forms E292fs, E380fs.
Identifiers: ClinVar variation 1456026 (VCV001456026.6), dbSNP rs2114248372, ClinGen allele CA2573140774.
Genomic context (GRCh38, chr6:42,969,979, plus strand): 5'-TAGGCACTGGCTGGTCCATCTGGAGCTTCCCCAACTGTTTTCTTCACTTTAAAAAACATT[T>TC]CCCGCCACCTGCAGGAAAAAGGCCCAATGAACCCCAGATCCAGAGTCCAAAAACCCCCCT-3'

ClinVar aggregate classification (germline): Pathogenic (1 of 4 stars; one submission).

Conditions:
Peroxisome biogenesis disorder. Identifiers: Orphanet 79189, MedGen C1832200, MONDO:0019234. Disease mechanism: loss of function.

Submission:

Labcorp Genetics (formerly Invitae), Labcorp
Classification: Pathogenic for Peroxisome biogenesis disorder. Last evaluated: 2021-08-14. Review status: criteria provided, single submitter. Criteria: Invitae Variant Classification Sherloc (09022015). Collection method: clinical testing. Allele origin: germline.
Comment: For these reasons, this variant has been classified as Pathogenic. This variant has not been reported in the literature in individuals affected with PEX6-related conditions. This variant is not present in population databases (ExAC no frequency). This sequence change creates a premature translational stop signal (p.Glu380Glyfs*5) in the PEX6 gene. It is expected to result in an absent or disrupted protein product. Loss-of-function variants in PEX6 are known to be pathogenic (PMID: 8670792, 19877282, 21031596).

Literature cited by the submitters: PubMed 8670792; PubMed 19877282; PubMed 21031596.